The following is an entry in ClinVar:

ClinVar aggregate classification (germline): Uncertain significance (0 of 4 stars; one submission).

Conditions:
ZFHX4-related disorder. Also called: ZFHX4-related condition.

gnomAD v4.1: 1 of 1,614,008 alleles (0.000062%); highest among the groups gnomAD compares: African/African-American, 0.0013%; no homozygotes.

Submission:

PreventionGenetics, part of Exact Sciences
Classification: Uncertain significance for ZFHX4-related condition. Last evaluated: 2024-09-02. Review status: no assertion criteria provided. Collection method: clinical testing. Allele origin: germline.
Comment: The ZFHX4 c.4154A>T variant is predicted to result in the amino acid substitution p.Gln1385Leu. To our knowledge, this variant has not been reported in the literature or in a large population database, indicating this variant is rare. At this time, the clinical significance of this variant is uncertain due to the absence of conclusive functional and genetic evidence.

NM_024721.5(ZFHX4):c.4154A>T (p.Gln1385Leu)

Gene: ZFHX4 (zinc finger homeobox 4; plus strand). Cytogenetic location: 8q21.13.
Variant type: single nucleotide variant.
Coding change: c.4154A>T on transcript NM_024721.5 (MANE Select); coding-DNA position 4154, A replaced by T.
Protein change: p.Gln1385Leu; replaces glutamine 1385 with leucine.
Molecular consequence: missense variant.
Genome position (GRCh38, 1-based): chr8:76,851,075, A>T. VCF-style: chr8-76851075-A-T. GRCh37 (hg19) VCF-style: chr8-77763311-A-T.
Other names: c.4076A>T, p.Gln1359Leu (NM_001410934.1); short protein forms Q1359L, Q1385L.
Identifiers: ClinVar variation 3346889 (VCV003346889.1).